The following is an entry in ClinVar:

NM_006939.4(SOS2):c.3665G>C (p.Arg1222Pro)

Gene: SOS2 (SOS Ras/Rho guanine nucleotide exchange factor 2; minus strand). Cytogenetic location: 14q21.3.
Variant type: single nucleotide variant.
Coding change: c.3665G>C on transcript NM_006939.4 (MANE Select); coding-DNA position 3665, G replaced by C.
Protein change: p.Arg1222Pro; replaces arginine 1222 with proline.
Molecular consequence: missense variant.
Genome position (GRCh38, 1-based): chr14:50,118,678, C>G on the plus strand (G>C on the coding strand, the complement: SOS2 is on the minus strand). VCF-style: chr14-50118678-C-G. GRCh37 (hg19) VCF-style: chr14-50585396-C-G.
Other names: c.3566G>C, p.Arg1189Pro (NM_001411020.1); short protein forms R1189P, R1222P.
Identifiers: ClinVar variation 2759010 (VCV002759010.3), dbSNP rs1202582363, ClinGen allele CA389638341.

ClinVar aggregate classification (germline): Uncertain significance (1 of 4 stars; one submission).

Conditions:
Noonan syndrome 9 (NS9). Identifiers: Orphanet 648, MedGen C4225282, MONDO:0014691, OMIM 616559.

gnomAD v4.1: 1 of 1,612,334 alleles (0.000062%); highest among the groups gnomAD compares: Non-Finnish European, 0.000085%; no homozygotes.

Submission:

Labcorp Genetics (formerly Invitae), Labcorp
Classification: Uncertain significance for Noonan syndrome 9. Last evaluated: 2023-09-08. Review status: criteria provided, single submitter. Criteria: Invitae Variant Classification Sherloc (09022015). Collection method: clinical testing. Allele origin: germline.
Comment: In summary, the available evidence is currently insufficient to determine the role of this variant in disease. Therefore, it has been classified as a Variant of Uncertain Significance. Advanced modeling of protein sequence and biophysical properties (such as structural, functional, and spatial information, amino acid conservation, physicochemical variation, residue mobility, and thermodynamic stability) performed at Invitae indicates that this missense variant is not expected to disrupt SOS2 protein function. This variant has not been reported in the literature in individuals affected with SOS2-related conditions. This variant is not present in population databases (gnomAD no frequency). This sequence change replaces arginine, which is basic and polar, with proline, which is neutral and non-polar, at codon 1222 of the SOS2 protein (p.Arg1222Pro).